The following is an entry in ClinVar:

ClinVar aggregate classification (germline): Likely benign (1 of 4 stars; one submission).

Allele frequency attached by ClinVar (database versions not stated): 1000 Genomes Project 0.00040; 1000 Genomes Project 30x 0.00047; TOPMed 0.00124; gnomAD 0.00147; ExAC 0.00151; ESP Exome Variant Server 0.00177.
gnomAD v4.1: 2,478 of 1,614,024 alleles (0.15%); highest among the groups gnomAD compares: Middle Eastern, 1%; 6 homozygotes.

Submission:

CeGaT Center for Human Genetics Tuebingen
Classification: Likely benign. Last evaluated: 2022-07-01. Review status: criteria provided, single submitter. Criteria: CeGaT Center For Human Genetics Tuebingen Variant Classification Criteria Version 2. Collection method: clinical testing. Allele origin: germline. Affected: yes. Observed: 1 variant allele.
Comment: FSIP1: BP4, BP7

NM_152597.5(FSIP1):c.1572G>A (p.Ser524=)

Genes: FSIP1 (fibrous sheath interacting protein 1; minus strand), LOC126862111 (MED14-independent group 3 enhancer GRCh37_chr15:39909535-39910734; plus strand). Cytogenetic location: 15q14.
Variant type: single nucleotide variant.
Coding change: c.1572G>A on transcript NM_152597.5 (MANE Select); coding-DNA position 1572, G replaced by A.
Protein change: p.Ser524=; no amino-acid change (serine 524 retained).
Molecular consequence: synonymous variant.
Genome position (GRCh38, 1-based): chr15:39,617,862, C>T on the plus strand (G>A on the coding strand, the complement: FSIP1 is on the minus strand). VCF-style: chr15-39617862-C-T. GRCh37 (hg19) VCF-style: chr15-39910063-C-T.
Other names: c.1572G>A, p.Ser524= (NM_001324338.2).
Identifiers: ClinVar variation 2645162 (VCV002645162.24), dbSNP rs144527032, ClinGen allele CA7472596.